The following is an entry in ClinVar:

ClinVar aggregate classification (germline): Conflicting classifications of pathogenicity. Review status: criteria provided, conflicting classifications (1 of 4 stars). 7 submissions from 7 submitters: Uncertain significance (1); Benign (1); Likely benign (3). 2 of the submissions do not count toward it. Last evaluated 2026-02-01.

Conditions:
PCCB-related disorder. Also called: PCCB-related condition.
Propionic acidemia (PROP). Also called: GLYCINEMIA, KETOTIC; HYPERGLYCINEMIA WITH KETOACIDOSIS AND LEUKOPENIA; KETOTIC HYPERGLYCINEMIA. Identifiers: Orphanet 35, MedGen C0268579, MONDO:0011628, OMIM 606054, HP:0003571.

Allele frequency attached by ClinVar (database versions not stated): gnomAD 0.00014 and 0.00038; ESP Exome Variant Server 0.00015; TOPMed 0.00019; gnomAD exomes 0.00056 and 0.00100; 1000 Genomes Project 30x 0.00078; 1000 Genomes Project 0.00100; ExAC 0.00112.
gnomAD v4.1: 867 of 1,584,326 alleles (0.055%); highest among the groups gnomAD compares: South Asian, 0.66%; 7 homozygotes.

Submissions (9):

Labcorp Genetics (formerly Invitae), Labcorp
Classification: Likely benign for Propionic acidemia. Last evaluated: 2026-02-01. Review status: criteria provided, single submitter. Criteria: Invitae Variant Classification Sherloc (09022015). Collection method: clinical testing. Allele origin: germline.

CeGaT Center for Human Genetics Tuebingen
Classification: Likely benign. Last evaluated: 2025-09-01. Review status: criteria provided, single submitter. Criteria: CeGaT Center For Human Genetics Tuebingen Variant Classification Criteria Version 2. Collection method: clinical testing. Allele origin: germline. Affected: yes. Observed: 4 variant alleles.
Comment: PCCB: PP3, BS2

Blueprint Genetics
Classification: Likely benign. Last evaluated: 2024-10-24. Review status: criteria provided, single submitter. Criteria: ACMG Guidelines, 2015. Collection method: clinical testing. Allele origin: germline.

GeneDx
Classification: Benign. Last evaluated: 2019-10-09. Review status: criteria provided, single submitter. Criteria: GeneDx Variant Classification Process June 2021. Collection method: clinical testing. Allele origin: germline. Affected: yes.

Centre for Mendelian Genomics, University Medical Centre Ljubljana
Classification: Uncertain significance for Propionic acidemia. Last evaluated: 2018-10-12. Review status: criteria provided, single submitter. Criteria: ACMG Guidelines, 2015. Collection method: clinical testing. Allele origin: unknown. Affected: yes.
Comment: This variant was classified as: Uncertain significance. The available evidence on this variant's pathogenicity is insufficient or conflicting. The following ACMG criteria were applied in classifying this variant: PP4,BP6.

Natera, Inc.
Classification: Benign for Propionic acidemia. Last evaluated: 2019-12-19. Review status: no assertion criteria provided. Collection method: clinical testing. Allele origin: germline. Not counted in ClinVar's aggregate classification.

PreventionGenetics, part of Exact Sciences
Classification: Likely benign for PCCB-related condition. Last evaluated: 2019-06-17. Review status: no assertion criteria provided. Collection method: clinical testing. Allele origin: germline. Not counted in ClinVar's aggregate classification.
Comment: This variant is classified as likely benign based on ACMG/AMP sequence variant interpretation guidelines (Richards et al. 2015 PMID: 25741868, with internal and published modifications).

Dr. Peter K. Rogan Lab, Western University
No classification provided (evidence only). Condition: Familial cancer of breast. Review status: no classification provided. Collection method: in vitro. Allele origin: not applicable. Functional consequence: skipped exon. Not counted in ClinVar's aggregate classification.

Dr. Peter K. Rogan Lab, Western University
No classification provided (evidence only). Condition: Nonpapillary renal cell carcinoma. Review status: no classification provided. Collection method: in vitro. Allele origin: not applicable. Functional consequence: skipped exon. Not counted in ClinVar's aggregate classification.

NM_000532.5(PCCB):c.654+3A>C

Gene: PCCB (propionyl-CoA carboxylase subunit beta; plus strand). Cytogenetic location: 3q22.3.
Variant type: single nucleotide variant.
Coding change: c.654+3A>C on transcript NM_000532.5 (MANE Select); 3 bases into the intron after coding-DNA position 654, A replaced by C.
Molecular consequence: intron variant.
Genome position (GRCh38, 1-based): chr3:136,283,950, A>C. VCF-style: chr3-136283950-A-C. GRCh37 (hg19) VCF-style: chr3-136002792-A-C.
Other names: c.714+3A>C (NM_001178014.2).
Identifiers: ClinVar variation 529438 (VCV000529438.58), dbSNP rs199886085, ClinGen allele CA2631806.
Genomic context (GRCh38, chr3:136,283,950, plus strand): 5'-ATGTGCTGGTGGGGCCGTCTACTCCCCAGCCCTAACAGACTTCACGTTCATGGTAAAGGT[A>C]AGAAAGAAGGGCCTGTTTTTGGTGCCGTTTGAGATTTGTGCAGTTCCTTACCTGCAATAA-3'